The following is an entry in ClinVar:

ClinVar aggregate classification (germline): Benign/Likely benign. Review status: criteria provided, multiple submitters, no conflicts (2 of 4 stars). 3 submissions from 3 submitters: Benign (1); Likely benign (2). Last evaluated 2025-12-29.

Conditions:
Renal cell carcinoma. Identifiers: Orphanet 217071, MedGen C0007134, MeSH D002292, MONDO:0005086, HP:0005584.
Hereditary cancer-predisposing syndrome. Also called: Tumor predisposition; Hereditary neoplastic syndrome; Neoplastic Syndromes, Hereditary; Hereditary Cancer Syndrome. Identifiers: Orphanet 140162, MedGen C0027672, MeSH D009386, MONDO:0015356.
Papillary renal cell carcinoma type 1 (RCCP1). Also called: Renal adenocarcinoma; Renal cell carcinoma 1; Renal cell carcinoma, somatic; RENAL CELL CARCINOMA, PAPILLARY, 1, SOMATIC. Identifiers: Orphanet 47044, MedGen C1336839, OMIM 605074, HP:0011797.

Allele frequency attached by ClinVar (database versions not stated): gnomAD 0.00001; TOPMed 0.00001; ESP Exome Variant Server 0.00008.
gnomAD v4.1: 8 of 1,614,048 alleles (0.0005%); highest among the groups gnomAD compares: Non-Finnish European, 0.00068%; no homozygotes.

Submissions (3):

Labcorp Genetics (formerly Invitae), Labcorp
Classification: Likely benign for Renal cell carcinoma. Last evaluated: 2025-12-29. Review status: criteria provided, single submitter. Criteria: Invitae Variant Classification Sherloc (09022015). Collection method: clinical testing. Allele origin: germline.

Myriad Genetics, Inc.
Classification: Benign for Papillary renal cell carcinoma type 1. Last evaluated: 2024-11-07. Review status: criteria provided, single submitter. Criteria: Myriad Autosomal Dominant, Autosomal Recessive and X-Linked Classification Criteria (2023). Collection method: clinical testing. Allele origin: unknown.
Comment: This variant is considered benign. This variant is a silent/synonymous amino acid change and it is not expected to impact splicing.

Ambry Genetics
Classification: Likely benign for Hereditary cancer-predisposing syndrome. Last evaluated: 2019-06-21. Review status: criteria provided, single submitter. Criteria: Ambry Variant Classification Scheme 2023. Collection method: clinical testing. Allele origin: germline.

NM_000245.4(MET):c.1221A>G (p.Ser407=)

Gene: MET (MET proto-oncogene, receptor tyrosine kinase; plus strand). Cytogenetic location: 7q31.2.
Variant type: single nucleotide variant.
Coding change: c.1221A>G on transcript NM_000245.4 (MANE Select); coding-DNA position 1221, A replaced by G.
Protein change: p.Ser407=; no amino-acid change (serine 407 retained).
Molecular consequence: synonymous variant. On other transcripts: 5 prime UTR variant (1).
Genome position (GRCh38, 1-based): chr7:116,731,688, A>G. VCF-style: chr7-116731688-A-G. GRCh37 (hg19) VCF-style: chr7-116371742-A-G.
Other names: c.1221A>G, p.Ser407= (NM_001127500.3, NM_001324401.3); c.-70A>G (NM_001324402.2).
Identifiers: ClinVar variation 818624 (VCV000818624.14), dbSNP rs200003116, ClinGen allele CA164865709.